The following is an entry in ClinVar:

NM_000500.9(CYP21A2):c.433del (p.Gln145fs)

Genes: CYP21A2 (cytochrome P450 family 21 subfamily A member 2; plus strand), LOC106780800 (CYP21A2 recombination region; plus strand). Cytogenetic location: 6p21.33.
Variant type: Deletion.
Coding change: c.433del on transcript NM_000500.9 (MANE Select); coding-DNA position 433, one base deleted (C; older notation c.433delC).
Protein change: p.Gln145fs; shifts the reading frame from glutamine 145.
Molecular consequence: frameshift variant.
Genome position (GRCh38, 1-based): chr6:32,039,234, C deleted; the last of 3 consecutive C bases (chr6:32,039,232-32,039,234); deleting any one gives the same sequence. VCF-style (leftmost placement, unchanged base first): chr6-32039231-AC-A. GRCh37 (hg19) VCF-style: chr6-32007008-AC-A.
Other names: c.343del, p.Gln115fs (NM_001128590.4); c.28del, p.Gln10fs (NM_001368143.2, NM_001368144.2); short protein forms Q10fs, Q115fs, Q145fs.
Identifiers: ClinVar variation 1687249 (VCV001687249.1), dbSNP rs2151872060, ClinGen allele CA2573140180.

ClinVar aggregate classification (germline): Pathogenic (1 of 4 stars; one submission).

Conditions:
21-Hydroxylase-Deficient Congenital Adrenal Hyperplasia. Also called: ADRENAL HYPERPLASIA III; ADRENAL HYPERPLASIA, CONGENITAL, DUE TO 21-HYDROXYLASE DEFICIENCY. Identifiers: MedGen C2936858, OMIM 201910.

Submission:

3billion
Classification: Pathogenic for 21-Hydroxylase-Deficient Congenital Adrenal Hyperplasia. Last evaluated: 2022-05-22. Review status: criteria provided, single submitter. Criteria: ACMG Guidelines, 2015. Collection method: clinical testing. Allele origin: germline. Affected: yes. Observed: 1 homozygote.
Comment: The variant is not observed in the gnomAD v2.1.1 dataset. Frameshift: predicted to result in a loss or disruption of normal protein function through nonsense-mediated decay (NMD) or protein truncation. Multiple pathogenic variants are reported downstream of the variant. Patient's phenotype is considered compatiblie with this disorder. Therefore, this variant is classified as pathogenic according to the recommendation of ACMG/AMP guideline.